The following is an entry in ClinVar:

NC_000017.10:g.(33430344_33430472)_(33430564_33433404)del

Gene: RAD51D (RAD51 paralog D; minus strand). Cytogenetic location: 17q12.
Variant type: Deletion.
Identifiers: ClinVar variation 2573494 (VCV002573494.2).

ClinVar aggregate classification (germline): Pathogenic (1 of 4 stars; one submission).

Conditions:
Hereditary breast ovarian cancer syndrome. Also called: Breast and ovarian cancer; Hereditary breast and ovarian cancer; Hereditary breast and ovarian cancer syndrome (HBOC); Hereditary breast and/or ovarian cancer syndrome; Hereditary breast and ovarian cancer syndrome; BRCA1- and BRCA2-Associated Hereditary Breast and Ovarian Cancer. Identifiers: Orphanet 145, MedGen C0677776, MeSH D061325, MONDO:0003582. Disease mechanism: loss of function.

Submission:

Women's Health and Genetics/Laboratory Corporation of America, LabCorp
Classification: Pathogenic for Hereditary breast ovarian cancer syndrome. Last evaluated: 2025-04-22. Review status: criteria provided, single submitter. Criteria: LabCorp Variant Classification Summary - May 2015. Collection method: clinical testing. Allele origin: germline.
Comment: Variant summary: The variant involves the deletion of exon 7 in the RAD51D gene. A presumed nomenclature of c.(576+1_577-1)_(667+1_668-1)del has been designated for the purposes of this classification. Although exact breakpoints of this deletion are not known, it is expected to result in a frameshift in the RAD51D gene, a known mechanism of disease. The variant was absent in 21694 control chromosomes (gnomAD, structural variants dataset). To our knowledge, no occurrence of c.(576+1_577-1)_(667+1_668-1)del in individuals affected with Hereditary Breast And Ovarian Cancer Syndrome and no experimental evidence demonstrating its impact on protein function have been reported. No submitters have cited clinical-significance assessments for this variant to ClinVar. Based on the evidence outlined above, the variant was classified as pathogenic.